The following is an entry in ClinVar:

ClinVar aggregate classification (germline): Likely benign (1 of 4 stars; one submission).

Allele frequency attached by ClinVar (database versions not stated): gnomAD exomes below 0.00001; TOPMed below 0.00001.
gnomAD v4.1: 5 of 1,369,534 alleles (0.00037%); highest among the groups gnomAD compares: South Asian, 0.006%; no homozygotes.

Submission:

CeGaT Center for Human Genetics Tuebingen
Classification: Likely benign. Last evaluated: 2023-01-01. Review status: criteria provided, single submitter. Criteria: CeGaT Center For Human Genetics Tuebingen Variant Classification Criteria Version 2. Collection method: clinical testing. Allele origin: germline. Affected: yes. Observed: 1 variant allele.
Comment: KRT6C: PM2:Supporting, BP4, BP7

NM_173086.5(KRT6C):c.294T>C (p.Ser98=)

Gene: KRT6C (keratin 6C; minus strand). Cytogenetic location: 12q13.13.
Variant type: single nucleotide variant.
Coding change: c.294T>C on transcript NM_173086.5 (MANE Select); coding-DNA position 294, T replaced by C.
Protein change: p.Ser98=; no amino-acid change (serine 98 retained).
Molecular consequence: synonymous variant.
Genome position (GRCh38, 1-based): chr12:52,473,444, A>G on the plus strand (T>C on the coding strand, the complement: KRT6C is on the minus strand). VCF-style: chr12-52473444-A-G. GRCh37 (hg19) VCF-style: chr12-52867228-A-G.
Identifiers: ClinVar variation 2643024 (VCV002643024.24), dbSNP rs1387932030, ClinGen allele CA480069729.